The following is an entry in ClinVar:

NM_001256789.3(CACNA1F):c.4822-2A>G

Genes: CACNA1F (calcium voltage-gated channel subunit alpha1 F; minus strand), LOC126863257 (BRD4-independent group 4 enhancer GRCh37_chrX:49065732-49066931; plus strand). Cytogenetic location: Xp11.23.
Variant type: single nucleotide variant.
Coding change: c.4822-2A>G on transcript NM_001256789.3 (MANE Select); the canonical splice acceptor site of the intron before coding-DNA position 4822, A replaced by G.
Molecular consequence: splice acceptor variant.
Genome position (GRCh38, 1-based): chrX:49,209,395, T>C on the plus strand (A>G on the coding strand, the complement: CACNA1F is on the minus strand). VCF-style: chrX-49209395-T-C. GRCh37 (hg19) VCF-style: chrX-49065855-T-C.
Other names: c.4855-2A>G (NM_005183.4); c.4660-2A>G (NM_001256790.3).
Identifiers: ClinVar variation 2131248 (VCV002131248.5), dbSNP rs2520742671, ClinGen allele CA412960137.

ClinVar aggregate classification (germline): Likely pathogenic. Review status: criteria provided, multiple submitters, no conflicts (2 of 4 stars). 2 submissions from 2 submitters: Likely pathogenic (2). Last evaluated 2022-05-20.

Conditions:
CACNA1F-related disorder. Also called: CACNA1F-related condition.

Allele frequency attached by ClinVar (database versions not stated): gnomAD exomes below 0.00001.
gnomAD v4.1: 2 of 1,209,848 alleles (0.00017%); highest among the groups gnomAD compares: Non-Finnish European, 0.00011%; no homozygotes.

Submissions (2):

Labcorp Genetics (formerly Invitae), Labcorp
Classification: Likely pathogenic. Last evaluated: 2022-05-20. Review status: criteria provided, single submitter. Criteria: Invitae Variant Classification Sherloc (09022015). Collection method: clinical testing. Allele origin: germline.
Comment: In summary, the currently available evidence indicates that the variant is pathogenic, but additional data are needed to prove that conclusively. Therefore, this variant has been classified as Likely Pathogenic. Algorithms developed to predict the effect of sequence changes on RNA splicing suggest that this variant may disrupt the consensus splice site. This variant has not been reported in the literature in individuals affected with CACNA1F-related conditions. This variant is not present in population databases (gnomAD no frequency). This sequence change affects an acceptor splice site in intron 41 of the CACNA1F gene. It is expected to disrupt RNA splicing. Variants that disrupt the donor or acceptor splice site typically lead to a loss of protein function (PMID: 16199547), and loss-of-function variants in CACNA1F are known to be pathogenic (PMID: 9662399, 11281458, 17525176, 22194652, 24124559, 26992781).

Blueprint Genetics
Classification: Likely pathogenic for CACNA1F-related disorders. Last evaluated: 2019-11-06. Review status: criteria provided, single submitter. Criteria: ACMG Guidelines, 2015. Collection method: clinical testing. Allele origin: germline. Affected: yes. Observed: 2 variant alleles.

Literature cited by the submitters: PubMed 16199547 (cited by Labcorp Genetics (formerly Invitae), Labcorp); PubMed 9662399 (cited by Labcorp Genetics (formerly Invitae), Labcorp); PubMed 11281458 (cited by Labcorp Genetics (formerly Invitae), Labcorp); PubMed 17525176 (cited by Labcorp Genetics (formerly Invitae), Labcorp); PubMed 22194652 (cited by Labcorp Genetics (formerly Invitae), Labcorp); PubMed 24124559 (cited by Labcorp Genetics (formerly Invitae), Labcorp); PubMed 26992781 (cited by Labcorp Genetics (formerly Invitae), Labcorp).